The following is an entry in ClinVar:

NM_170707.4(LMNA):c.10C>T (p.Pro4Ser)

Gene: LMNA (lamin A/C; plus strand). Cytogenetic location: 1q22.
Variant type: single nucleotide variant.
Coding change: c.10C>T on transcript NM_170707.4 (MANE Select); coding-DNA position 10, C replaced by T.
Protein change: p.Pro4Ser; replaces proline 4 with serine.
Molecular consequence: missense variant.
Genome position (GRCh38, 1-based): chr1:156,114,928, C>T. VCF-style: chr1-156114928-C-T. GRCh37 (hg19) VCF-style: chr1-156084719-C-T.
Other names: c.10C>T, p.Pro4Ser (NM_001282625.2, NM_001282626.2, NM_005572.4 and 1 more transcripts); short protein forms P4S.
Identifiers: ClinVar variation 1058603 (VCV001058603.9), dbSNP rs1477323839, ClinGen allele CA342805926.

ClinVar aggregate classification (germline): Uncertain significance (1 of 4 stars; one submission).

Conditions:
Charcot-Marie-Tooth disease type 2. Also called: Charcot-Marie-Tooth type 2. Identifiers: Orphanet 64746, MedGen C0270914, MONDO:0018993.

gnomAD v4.1: 1 of 1,557,040 alleles (0.000064%); highest among the groups gnomAD compares: Non-Finnish European, 0.000087%; no homozygotes.

Submission:

Labcorp Genetics (formerly Invitae), Labcorp
Classification: Uncertain significance for Charcot-Marie-Tooth disease type 2. Last evaluated: 2020-07-29. Review status: criteria provided, single submitter. Criteria: Invitae Variant Classification Sherloc (09022015). Collection method: clinical testing. Allele origin: germline.
Comment: In summary, the available evidence is currently insufficient to determine the role of this variant in disease. Therefore, it has been classified as a Variant of Uncertain Significance. This variant disrupts the p.Pro4 amino acid residue in LMNA. Other variant(s) that disrupt this residue have been determined to be pathogenic (PMID: 19875478, 24861648, 31378009). This suggests that this residue is clinically significant, and that variants that disrupt this residue are likely to be disease-causing. Algorithms developed to predict the effect of missense changes on protein structure and function (SIFT, PolyPhen-2, Align-GVGD) all suggest that this variant is likely to be disruptive, but these predictions have not been confirmed by published functional studies and their clinical significance is uncertain. This variant has not been reported in the literature in individuals with LMNA-related conditions. The frequency data for this variant in the population databases is considered unreliable, as metrics indicate insufficient coverage at this position in the ExAC database. This sequence change replaces proline with serine at codon 4 of the LMNA protein (p.Pro4Ser). The proline residue is highly conserved and there is a moderate physicochemical difference between proline and serine.

Literature cited by the submitters: PubMed 19875478; PubMed 24861648; PubMed 31378009.